The following is an entry in ClinVar:

NM_020631.6(PLEKHG5):c.473A>G (p.Glu158Gly)

Gene: PLEKHG5 (pleckstrin homology and RhoGEF domain containing G5; minus strand). Cytogenetic location: 1p36.31.
Variant type: single nucleotide variant.
Coding change: c.473A>G on transcript NM_020631.6 (MANE Select); coding-DNA position 473, A replaced by G.
Protein change: p.Glu158Gly; replaces glutamic acid 158 with glycine.
Molecular consequence: missense variant.
Genome position (GRCh38, 1-based): chr1:6,474,131, T>C on the plus strand (A>G on the coding strand, the complement: PLEKHG5 is on the minus strand). VCF-style: chr1-6474131-T-C. GRCh37 (hg19) VCF-style: chr1-6534191-T-C.
Other names: c.584A>G, p.Glu195Gly (NM_001042663.3, NM_001265592.2); c.473A>G, p.Glu158Gly (NM_001042664.2, NM_001042665.2, NM_001265594.3 and 1 more transcripts); c.680A>G, p.Glu227Gly (NM_001265593.2); short protein forms E227G, E158G, E195G.
Identifiers: ClinVar variation 1742757 (VCV001742757.2), dbSNP rs1644685629, ClinGen allele CA338138839.
Genomic context (GRCh38, chr1:6,474,131, plus strand): 5'-CCGGTCCCAGCTGGCCGCAGAATCGGCAAACTCAGGGACTTGGAGTCCTTCATGCCCTGC[T>C]CCACCTTGCCCTCATCTCCAGGCTTGGCTGGGGCTGCATGTGGGGGCCACGAGAGATCCT-3'
Protein context (NP_065682.2, residues 148-168): PAKPGDEGKV[Glu158Gly]QGMKDSKSLS

ClinVar aggregate classification (germline): Uncertain significance (1 of 4 stars; one submission).

Conditions:
Inborn genetic diseases. Identifiers: MedGen C0950123, MeSH D030342.

Allele frequency attached by ClinVar (database versions not stated): gnomAD exomes below 0.00001; TOPMed below 0.00001.
gnomAD v4.1: 2 of 1,613,562 alleles (0.00012%); highest among the groups gnomAD compares: Non-Finnish European, 0.00017%; no homozygotes.

Submission:

Ambry Genetics
Classification: Uncertain significance for Inborn genetic diseases. Last evaluated: 2022-04-23. Review status: criteria provided, single submitter. Criteria: Ambry Variant Classification Scheme 2023. Collection method: clinical testing. Allele origin: germline.
Comment: The p.E158G variant (also known as c.473A>G), located in coding exon 6 of the PLEKHG5 gene, results from an A to G substitution at nucleotide position 473. The glutamic acid at codon 158 is replaced by glycine, an amino acid with similar properties. This amino acid position is conserved. In addition, the in silico prediction for this alteration is inconclusive. Since supporting evidence is limited at this time, the clinical significance of this alteration remains unclear.